The following is an entry in ClinVar:

NM_025137.4(SPG11):c.3752G>T (p.Gly1251Val)

Gene: SPG11 (SPG11 vesicle trafficking associated, spatacsin; minus strand). Cytogenetic location: 15q21.1.
Variant type: single nucleotide variant.
Coding change: c.3752G>T on transcript NM_025137.4 (MANE Select); coding-DNA position 3752, G replaced by T.
Protein change: p.Gly1251Val; replaces glycine 1251 with valine.
Molecular consequence: missense variant.
Genome position (GRCh38, 1-based): chr15:44,598,771, C>A on the plus strand (G>T on the coding strand, the complement: SPG11 is on the minus strand). VCF-style: chr15-44598771-C-A. GRCh37 (hg19) VCF-style: chr15-44890969-C-A.
Other names: c.3752G>T, p.Gly1251Val (NM_001160227.2, NM_001411132.1); short protein forms G1251V.
Identifiers: ClinVar variation 1734579 (VCV001734579.2), dbSNP rs2083109426, ClinGen allele CA392230287.

ClinVar aggregate classification (germline): Uncertain significance (1 of 4 stars; one submission).

Conditions:
Inborn genetic diseases. Identifiers: MedGen C0950123, MeSH D030342.

Submission:

Ambry Genetics
Classification: Uncertain significance for Inborn genetic diseases. Last evaluated: 2021-08-24. Review status: criteria provided, single submitter. Criteria: Ambry Variant Classification Scheme 2023. Collection method: clinical testing. Allele origin: germline.
Comment: The p.G1251V variant (also known as c.3752G>T), located in coding exon 22 of the SPG11 gene, results from a G to T substitution at nucleotide position 3752. The glycine at codon 1251 is replaced by valine, an amino acid with dissimilar properties. This amino acid position is conserved. In addition, the in silico prediction for this alteration is inconclusive. Since supporting evidence is limited at this time, the clinical significance of this alteration remains unclear.